The following is an entry in ClinVar:

NM_019074.4(DLL4):c.1386C>T (p.Leu462=)

Gene: DLL4 (delta like canonical Notch ligand 4; plus strand). Cytogenetic location: 15q15.1.
Variant type: single nucleotide variant.
Coding change: c.1386C>T on transcript NM_019074.4 (MANE Select); coding-DNA position 1386, C replaced by T.
Protein change: p.Leu462=; no amino-acid change (leucine 462 retained).
Molecular consequence: synonymous variant.
Genome position (GRCh38, 1-based): chr15:40,936,373, C>T. VCF-style: chr15-40936373-C-T. GRCh37 (hg19) VCF-style: chr15-41228571-C-T.
Identifiers: ClinVar variation 737632 (VCV000737632.9), dbSNP rs374717233, ClinGen allele CA7487928.

ClinVar aggregate classification (germline): Likely benign. Review status: criteria provided, single submitter (1 of 4 stars). 2 submissions from 2 submitters: Likely benign (1). 1 of the submissions does not count toward it. Last evaluated 2025-08-04.

Conditions:
DLL4-related disorder. Also called: DLL4-related condition.

Allele frequency attached by ClinVar (database versions not stated): gnomAD exomes 0.00009; ExAC 0.00011; ESP Exome Variant Server 0.00031; gnomAD 0.00036 and 0.00039; TOPMed 0.00047.
gnomAD v4.1: 95 of 1,611,468 alleles (0.0059%); highest among the groups gnomAD compares: African/African-American, 0.12%; no homozygotes.

Submissions (2):

Labcorp Genetics (formerly Invitae), Labcorp
Classification: Likely benign. Last evaluated: 2025-08-04. Review status: criteria provided, single submitter. Criteria: Invitae Variant Classification Sherloc (09022015). Collection method: clinical testing. Allele origin: germline.

PreventionGenetics, part of Exact Sciences
Classification: Likely benign for DLL4-related condition. Last evaluated: 2019-08-23. Review status: no assertion criteria provided. Collection method: clinical testing. Allele origin: germline. Not counted in ClinVar's aggregate classification.
Comment: This variant is classified as likely benign based on ACMG/AMP sequence variant interpretation guidelines (Richards et al. 2015 PMID: 25741868, with internal and published modifications).